The following is an entry in ClinVar:

NM_001042492.3(NF1):c.154_158del (p.Ser52fs)

Gene: NF1 (neurofibromin 1; plus strand). Cytogenetic location: 17q11.2.
Variant type: Deletion.
Coding change: c.154_158del on transcript NM_001042492.3 (MANE Select); coding-DNA positions 154 to 158, 5 bases deleted (TCTTT; older notation c.154_158delTCTTT).
Protein change: p.Ser52fs; shifts the reading frame from serine 52.
Molecular consequence: frameshift variant.
Genome position (GRCh38, 1-based): chr17:31,156,076-31,156,080, TCTTT deleted; deleting any 5 consecutive bases within chr17:31,156,073-31,156,080 gives the same sequence; the c. name uses the placement nearest the transcript's 3' end. VCF-style (leftmost placement, unchanged base first): chr17-31156072-GTTTTC-G. GRCh37 (hg19) VCF-style: chr17-29483090-GTTTTC-G.
Other names: c.154_158delTCTTT (NM_000267.3); c.154_158delTCTTT, p.Ser52Glyfs (NM_000267.4); c.154_158del, p.Ser52fs (NM_001128147.3); short protein forms S52fs.
Identifiers: ClinVar variation 3238378 (VCV003238378.1), dbSNP rs2544681466.

ClinVar aggregate classification (germline): Pathogenic (1 of 4 stars; one submission).

Conditions:
Hereditary cancer-predisposing syndrome. Also called: Neoplastic Syndromes, Hereditary; Tumor predisposition; Hereditary neoplastic syndrome; Hereditary Cancer Syndrome. Identifiers: Orphanet 140162, MedGen C0027672, MeSH D009386, MONDO:0015356.
Cardiovascular phenotype. Identifiers: MedGen CN230736.

Submission:

Ambry Genetics
Classification: Pathogenic for Cardiovascular phenotype; Hereditary cancer-predisposing syndrome. Last evaluated: 2023-06-23. Review status: criteria provided, single submitter. Criteria: Ambry Variant Classification Scheme 2023. Collection method: clinical testing. Allele origin: germline.
Comment: The c.154_158delTCTTT pathogenic mutation, located in coding exon 2 of the NF1 gene, results from a deletion of 5 nucleotides at nucleotide positions 154 to 158, causing a translational frameshift with a predicted alternate stop codon (p.S52Gfs*13). This variant is considered to be rare based on population cohorts in the Genome Aggregation Database (gnomAD). This alteration is expected to result in loss of function by premature protein truncation or nonsense-mediated mRNA decay. As such, this alteration is interpreted as a disease-causing mutation.